The following is an entry in ClinVar:

NM_000138.5(FBN1):c.6129G>C (p.Gly2043=)

Gene: FBN1 (fibrillin 1; minus strand). Cytogenetic location: 15q21.1.
Variant type: single nucleotide variant.
Coding change: c.6129G>C on transcript NM_000138.5 (MANE Select); coding-DNA position 6129, G replaced by C.
Protein change: p.Gly2043=; no amino-acid change (glycine 2043 retained).
Molecular consequence: synonymous variant.
Genome position (GRCh38, 1-based): chr15:48,441,755, C>G on the plus strand (G>C on the coding strand, the complement: FBN1 is on the minus strand). VCF-style: chr15-48441755-C-G. GRCh37 (hg19) VCF-style: chr15-48733952-C-G.
Identifiers: ClinVar variation 263463 (VCV000263463.16), dbSNP rs766473100, ClinGen allele CA056272.

ClinVar aggregate classification (germline): Likely benign. Review status: criteria provided, multiple submitters, no conflicts (2 of 4 stars). 4 submissions from 4 submitters: Likely benign (4). Last evaluated 2025-05-18.

Conditions:
Marfan syndrome (MFS). Also called: MARFAN SYNDROME, TYPE I; FBN1-Related Marfan Syndrome; Marfan syndrome, classic; Marfan syndrome type 1; Marfan's syndrome. Identifiers: Orphanet 284963, Orphanet 558, MedGen C0024796, MONDO:0007947, OMIM 154700.
Familial thoracic aortic aneurysm and aortic dissection (TAAD). Also called: Thoracic aortic aneurysms and dissections. Identifiers: Orphanet 91387, MedGen C4707243, MONDO:0019625.

Allele frequency attached by ClinVar (database versions not stated): ExAC 0.00001; gnomAD exomes 0.00002.
gnomAD v4.1: 11 of 1,613,730 alleles (0.00068%); highest among the groups gnomAD compares: Middle Eastern, 0.099%; no homozygotes.

Submissions (4):

Labcorp Genetics (formerly Invitae), Labcorp
Classification: Likely benign for Marfan syndrome; Familial thoracic aortic aneurysm and aortic dissection. Last evaluated: 2025-05-18. Review status: criteria provided, single submitter. Criteria: Invitae Variant Classification Sherloc (09022015). Collection method: clinical testing. Allele origin: germline.

Ambry Genetics
Classification: Likely benign for Familial thoracic aortic aneurysm and aortic dissection. Last evaluated: 2024-02-26. Review status: criteria provided, single submitter. Criteria: Ambry Variant Classification Scheme 2023. Collection method: clinical testing. Allele origin: germline.

All of Us Research Program, National Institutes of Health
Classification: Likely benign for Marfan syndrome. Last evaluated: 2023-11-20. Review status: criteria provided, single submitter. Criteria: ACMG Guidelines, 2015. Collection method: clinical testing. Allele origin: germline. Inheritance: Autosomal dominant inheritance. Observed: 2 variant alleles, 2 heterozygotes.
Comment: This study involves interpretation of variants in research participants for the purpose of population health screening. Participant phenotype was not available at the time of variant classification. Additional details can be found in publication PMID: 35346344, PMCID: PMC8962531

Color Diagnostics, LLC DBA Color Health
Classification: Likely benign for Familial thoracic aortic aneurysm and aortic dissection. Last evaluated: 2018-11-21. Review status: criteria provided, single submitter. Criteria: ACMG Guidelines, 2015. Collection method: clinical testing. Allele origin: germline.